The following is an entry in ClinVar:

ClinVar aggregate classification (germline): Benign (1 of 4 stars; one submission).

Allele frequency attached by ClinVar (database versions not stated): 1000 Genomes Project 30x 0.02327; 1000 Genomes Project 0.02416; TOPMed 0.04353; gnomAD 0.05112 and 0.05299.
gnomAD v4.1: 7,779 of 152,278 alleles (5.1%); highest among the groups gnomAD compares: Non-Finnish European, 7.4%; 308 homozygotes.

Submission:

GeneDx
Classification: Benign. Last evaluated: 2018-06-19. Review status: criteria provided, single submitter. Criteria: GeneDx Variant Classification (06012015). Collection method: clinical testing. Allele origin: germline. Affected: yes.
Comment: This variant is considered likely benign or benign based on one or more of the following criteria: it is a conservative change, it occurs at a poorly conserved position in the protein, it is predicted to be benign by multiple in silico algorithms, and/or has population frequency not consistent with disease.

NM_004519.4(KCNQ3):c.777+220G>C

Gene: KCNQ3 (potassium voltage-gated channel subfamily Q member 3; minus strand). Cytogenetic location: 8q24.22.
Variant type: single nucleotide variant.
Coding change: c.777+220G>C on transcript NM_004519.4 (MANE Select); 220 bases into the intron after coding-DNA position 777, G replaced by C.
Molecular consequence: intron variant.
Genome position (GRCh38, 1-based): chr8:132,179,937, C>G on the plus strand (G>C on the coding strand, the complement: KCNQ3 is on the minus strand). VCF-style: chr8-132179937-C-G. GRCh37 (hg19) VCF-style: chr8-133192184-C-G.
Other names: c.417+220G>C (NM_001204824.2).
Identifiers: ClinVar variation 682072 (VCV000682072.1), dbSNP rs41272381, ClinGen allele CA12934445.